The following is an entry in ClinVar:

NM_177438.3(DICER1):c.2540C>G (p.Thr847Arg)

Gene: DICER1 (dicer 1, ribonuclease III; minus strand). Cytogenetic location: 14q32.13.
Variant type: single nucleotide variant.
Coding change: c.2540C>G on transcript NM_177438.3 (MANE Select); coding-DNA position 2540, C replaced by G.
Protein change: p.Thr847Arg; replaces threonine 847 with arginine.
Molecular consequence: missense variant.
Genome position (GRCh38, 1-based): chr14:95,107,990, G>C on the plus strand (C>G on the coding strand, the complement: DICER1 is on the minus strand). VCF-style: chr14-95107990-G-C. GRCh37 (hg19) VCF-style: chr14-95574327-G-C.
Other names: c.2540C>G, p.Thr847Arg (NM_001195573.1, NM_001271282.3, NM_001291628.2 and 1 more transcripts); short protein forms T847R.
Identifiers: ClinVar variation 821452 (VCV000821452.9), dbSNP rs1595380501, ClinGen allele CA390881788.

ClinVar aggregate classification (germline): Uncertain significance. Review status: criteria provided, multiple submitters, no conflicts (2 of 4 stars). 3 submissions from 3 submitters: Uncertain significance (3). Last evaluated 2024-12-05.

Conditions:
DICER1-related tumor predisposition. Also called: DICER1-related pleuropulmonary blastoma cancer predisposition syndrome; DICER1 syndrome. Identifiers: Orphanet 284343, MedGen C3839822, MONDO:0100216.
Global developmental delay - lung cysts - overgrowth - Wilms tumor syndrome. Also called: GLOBAL DEVELOPMENTAL DELAY, LUNG CYSTS, OVERGROWTH, AND WILMS TUMOR; GLOW Syndrome. Identifiers: Orphanet 404476, MedGen C4748924, MONDO:0018445, OMIM 618272.
Hereditary cancer-predisposing syndrome. Also called: Hereditary Cancer Syndrome; Neoplastic Syndromes, Hereditary; Hereditary neoplastic syndrome; Tumor predisposition. Identifiers: Orphanet 140162, MedGen C0027672, MeSH D009386, MONDO:0015356.

Allele frequency attached by ClinVar (database versions not stated): gnomAD exomes below 0.00001.
gnomAD v4.1: 1 of 1,613,362 alleles (0.000062%); highest among the groups gnomAD compares: Non-Finnish European, 0.000085%; no homozygotes.

Submissions (3):

Ambry Genetics
Classification: Uncertain significance for Hereditary cancer-predisposing syndrome. Last evaluated: 2024-12-05. Review status: criteria provided, single submitter. Criteria: Ambry Variant Classification Scheme 2023. Collection method: clinical testing. Allele origin: germline.
Comment: The p.T847R variant (also known as c.2540C>G), located in coding exon 15 of the DICER1 gene, results from a C to G substitution at nucleotide position 2540. The threonine at codon 847 is replaced by arginine, an amino acid with similar properties. This amino acid position is highly conserved in available vertebrate species. In addition, this alteration is predicted to be deleterious by in silico analysis. Based on the available evidence, the clinical significance of this variant remains unclear.

Labcorp Genetics (formerly Invitae), Labcorp
Classification: Uncertain significance for DICER1-related tumor predisposition. Last evaluated: 2024-09-24. Review status: criteria provided, single submitter. Criteria: Invitae Variant Classification Sherloc (09022015). Collection method: clinical testing. Allele origin: germline.
Comment: This sequence change replaces threonine, which is neutral and polar, with arginine, which is basic and polar, at codon 847 of the DICER1 protein (p.Thr847Arg). This variant is not present in population databases (gnomAD no frequency). This variant has not been reported in the literature in individuals affected with DICER1-related conditions. ClinVar contains an entry for this variant (Variation ID: 821452). Invitae Evidence Modeling of protein sequence and biophysical properties (such as structural, functional, and spatial information, amino acid conservation, physicochemical variation, residue mobility, and thermodynamic stability) indicates that this missense variant is not expected to disrupt DICER1 protein function with a negative predictive value of 80%. In summary, the available evidence is currently insufficient to determine the role of this variant in disease. Therefore, it has been classified as a Variant of Uncertain Significance.

Baylor Genetics
Classification: Uncertain significance for Global developmental delay - lung cysts - overgrowth - Wilms tumor syndrome. Last evaluated: 2023-11-08. Review status: criteria provided, single submitter. Criteria: ACMG Guidelines, 2015. Collection method: clinical testing. Allele origin: unknown.